The following is an entry in ClinVar:

ClinVar aggregate classification (germline): Uncertain significance (1 of 4 stars; one submission).

Submission:

Women's Health and Genetics/Laboratory Corporation of America, LabCorp
Classification: Uncertain significance. Last evaluated: 2023-05-17. Review status: criteria provided, single submitter. Criteria: LabCorp Variant Classification Summary - May 2015. Collection method: clinical testing. Allele origin: germline.
Comment: Variant summary: JAK3 c.874T>G (p.Phe292Val) results in a non-conservative amino acid change located in the FERM domain (IPR000299) of the encoded protein sequence. Four of five in-silico tools predict a damaging effect of the variant on protein function. The variant was absent in 244634 control chromosomes (gnomAD). The available data on variant occurrences in the general population are insufficient to allow any conclusion about variant significance. c.874T>G has been reported in the literature in at least one compound heterozygous individual affected with Severe Combined Immunodeficiency (Di Matteo_2018). These data do not allow any conclusion about variant significance. To our knowledge, no experimental evidence demonstrating an impact on protein function has been reported. The following publication has been ascertained in the context of this evaluation (PMID: 30032486). No clinical diagnostic laboratories have submitted clinical-significance assessments for this variant to ClinVar after 2014. Based on the evidence outlined above, the variant was classified as uncertain significance.

Literature cited by the submitters: PubMed 30032486.

NM_000215.4(JAK3):c.874T>G (p.Phe292Val)

Gene: JAK3 (Janus kinase 3; minus strand). Cytogenetic location: 19p13.11.
Variant type: single nucleotide variant.
Coding change: c.874T>G on transcript NM_000215.4 (MANE Select); coding-DNA position 874, T replaced by G.
Protein change: p.Phe292Val; replaces phenylalanine 292 with valine.
Molecular consequence: missense variant.
Genome position (GRCh38, 1-based): chr19:17,841,750, A>C on the plus strand (T>G on the coding strand, the complement: JAK3 is on the minus strand). VCF-style: chr19-17841750-A-C. GRCh37 (hg19) VCF-style: chr19-17952559-A-C.
Other names: short protein forms F292V.
Identifiers: ClinVar variation 2506155 (VCV002506155.1), dbSNP rs2514572274, ClinGen allele CA404772140.
Genomic context (GRCh38, chr19:17,841,750, plus strand): 5'-CCGGGCCAACGCGCGGGGCCTGCTTGATGCTAATGTCTACGATTTCTGGAAAGTCGCAGA[A>C]GGGCTGGAGGACCTGGGAAGGAGGGGGAGTACCGAAGTGGGGGCCCAGCTGGACCCCGCC-3'
Protein context (NP_000206.2, residues 282-302): TQGEQEVLQP[Phe292Val]CDFPEIVDIS